The following is an entry in ClinVar:

NM_000545.8(HNF1A):c.1732C>A (p.Leu578Met)

Gene: HNF1A (HNF1 homeobox A; plus strand). Cytogenetic location: 12q24.31.
Variant type: single nucleotide variant.
Coding change: c.1732C>A on transcript NM_000545.8 (MANE Select); coding-DNA position 1732, C replaced by A.
Protein change: p.Leu578Met; replaces leucine 578 with methionine.
Molecular consequence: missense variant.
Genome position (GRCh38, 1-based): chr12:120,999,591, C>A. VCF-style: chr12-120999591-C-A. GRCh37 (hg19) VCF-style: chr12-121437394-C-A.
Other names: c.1753C>A, p.Leu585Met (NM_001306179.2); c.1540C>A, p.Leu514Met (NM_001406915.1); short protein forms L514M, L578M, L585M.
Identifiers: ClinVar variation 5001134 (VCV005001134.1).

ClinVar aggregate classification (germline): Uncertain significance (1 of 4 stars; one submission).

Conditions:
HNF1A-related disorder. Also called: HNF1A-related condition.

gnomAD v4.1: 3 of 1,611,948 alleles (0.00019%); highest among the groups gnomAD compares: Non-Finnish European, 0.00025%; no homozygotes.

Submission:

PreventionGenetics, part of Exact Sciences
Classification: Uncertain significance for HNF1A-related condition. Last evaluated: 2024-12-21. Review status: criteria provided, single submitter. Criteria: ACMG Guidelines, 2015. Collection method: clinical testing. Allele origin: germline.
Comment: The HNF1A c.1732C>A variant is predicted to result in the amino acid substitution p.Leu578Met. To our knowledge, this variant has not been reported in the literature or in a large population database (gnomAD), indicating this variant is rare. At this time, the clinical significance of this variant is uncertain due to the absence of conclusive functional and genetic evidence.